The following is an entry in ClinVar:

ClinVar aggregate classification (germline): Uncertain significance. Review status: criteria provided, single submitter (1 of 4 stars). 3 submissions from 3 submitters: Uncertain significance (1). 2 of the submissions do not count toward it. Last evaluated 2021-07-02.

Conditions:
Brown-Vialetto-van Laere syndrome 2. Also called: Riboflavin transporter deficiency type 2; SPINOCEREBELLAR ATAXIA WITH BLINDNESS AND DEAFNESS 2. Identifiers: Orphanet 572543, Orphanet 97229, MedGen C3553538, MONDO:0013867, OMIM 614707.

Submissions (3):

Labcorp Genetics (formerly Invitae), Labcorp
Classification: Uncertain significance for Brown-Vialetto-van Laere syndrome 2. Last evaluated: 2021-07-02. Review status: criteria provided, single submitter. Criteria: Invitae Variant Classification Sherloc (09022015). Collection method: clinical testing. Allele origin: germline.
Comment: This sequence change replaces glycine with serine at codon 419 of the SLC52A2 protein (p.Gly419Ser). The glycine residue is highly conserved and there is a small physicochemical difference between glycine and serine. This variant is not present in population databases (ExAC no frequency). This variant has been observed in individual(s) with Brown-Vialetto-Van Laere syndrome (PMID: 23243084). ClinVar contains an entry for this variant (Variation ID: 40232). Advanced modeling of protein sequence and biophysical properties (such as structural, functional, and spatial information, amino acid conservation, physicochemical variation, residue mobility, and thermodynamic stability) performed at Invitae indicates that this missense variant is expected to disrupt SLC52A2 protein function. Algorithms developed to predict the effect of sequence changes on RNA splicing suggest that this variant may create or strengthen a splice site. In summary, the available evidence is currently insufficient to determine the role of this variant in disease. Therefore, it has been classified as a Variant of Uncertain Significance.

OMIM
Classification: Pathogenic for BROWN-VIALETTO-VAN LAERE SYNDROME 2. Last evaluated: 2013-02-01. Review status: no assertion criteria provided. Collection method: literature only. Allele origin: germline. Not counted in ClinVar's aggregate classification.

GeneReviews
No classification provided. Condition: Brown-Vialetto-van Laere syndrome 2. Review status: no classification provided. Collection method: literature only. Allele origin: germline. Affected: yes. Not counted in ClinVar's aggregate classification.

Literature cited by the submitters: PubMed 23243084 (cited by Labcorp Genetics (formerly Invitae), Labcorp and OMIM); PubMed 22824638 (cited by GeneReviews); NCBI Bookshelf NBK299312 (cited by GeneReviews).

NM_001363118.2(SLC52A2):c.1255G>A (p.Gly419Ser)

Gene: SLC52A2 (solute carrier family 52 member 2; plus strand). Cytogenetic location: 8q24.3.
Variant type: single nucleotide variant.
Coding change: c.1255G>A on transcript NM_001363118.2 (MANE Select); coding-DNA position 1255, G replaced by A.
Protein change: p.Gly419Ser; replaces glycine 419 with serine.
Molecular consequence: missense variant. On other transcripts: non-coding transcript variant (1).
Genome position (GRCh38, 1-based): chr8:144,360,932, G>A. VCF-style: chr8-144360932-G-A. GRCh37 (hg19) VCF-style: chr8-145584592-G-A.
Other names: c.1255G>A, p.Gly419Ser (NM_001253815.2, NM_001253816.2, NM_001363120.2 and 2 more transcripts); c.763G>A, p.Gly255Ser (NM_001363122.2); short protein forms G419S, G255S.
Identifiers: ClinVar variation 40232 (VCV000040232.10), dbSNP rs397514658, ClinGen allele CA343829.